The following is an entry in ClinVar:

NM_024334.3(TMEM43):c.295A>G (p.Lys99Glu)

Gene: TMEM43 (transmembrane protein 43; plus strand). Cytogenetic location: 3p25.1.
Variant type: single nucleotide variant.
Coding change: c.295A>G on transcript NM_024334.3 (MANE Select); coding-DNA position 295, A replaced by G.
Protein change: p.Lys99Glu; replaces lysine 99 with glutamic acid.
Molecular consequence: missense variant.
Genome position (GRCh38, 1-based): chr3:14,130,954, A>G. VCF-style: chr3-14130954-A-G. GRCh37 (hg19) VCF-style: chr3-14172454-A-G.
Other names: c.295A>G, p.Lys99Glu (NM_001407274.1, NM_001407275.1, NM_001407276.1 and 2 more transcripts); c.280A>G, p.Lys94Glu (NM_001407278.1); c.145A>G, p.Lys49Glu (NM_001407280.1); short protein forms K49E, K99E, K94E.
Identifiers: ClinVar variation 2061713 (VCV002061713.4), dbSNP rs2470179863, ClinGen allele CA351534737.

ClinVar aggregate classification (germline): Uncertain significance (1 of 4 stars; one submission).

Conditions:
Arrhythmogenic right ventricular dysplasia 5. Also called: Arrhythmogenic Right Ventricular Dysplasia/Cardiomyopathy 5; ARRHYTHMOGENIC RIGHT VENTRICULAR DYSPLASIA, FAMILIAL, 5. Identifiers: MedGen C1858379, MONDO:0011459, OMIM 604400.

Submission:

Labcorp Genetics (formerly Invitae), Labcorp
Classification: Uncertain significance for Arrhythmogenic right ventricular dysplasia 5. Last evaluated: 2021-12-27. Review status: criteria provided, single submitter. Criteria: Invitae Variant Classification Sherloc (09022015). Collection method: clinical testing. Allele origin: germline.
Comment: In summary, the available evidence is currently insufficient to determine the role of this variant in disease. Therefore, it has been classified as a Variant of Uncertain Significance. Algorithms developed to predict the effect of missense changes on protein structure and function (SIFT, PolyPhen-2, Align-GVGD) all suggest that this variant is likely to be tolerated. This variant has not been reported in the literature in individuals affected with TMEM43-related conditions. This variant is not present in population databases (gnomAD no frequency). This sequence change replaces lysine, which is basic and polar, with glutamic acid, which is acidic and polar, at codon 99 of the TMEM43 protein (p.Lys99Glu).